The following is an entry in ClinVar:

NM_000132.4(F8):c.1348T>A (p.Tyr450Asn)

Gene: F8 (coagulation factor VIII; minus strand). Cytogenetic location: Xq28.
Variant type: single nucleotide variant.
Coding change: c.1348T>A on transcript NM_000132.4 (MANE Select); coding-DNA position 1348, T replaced by A.
Protein change: p.Tyr450Asn; replaces tyrosine 450 with asparagine.
Molecular consequence: missense variant.
Genome position (GRCh38, 1-based): chrX:154,966,065, A>T on the plus strand (T>A on the coding strand, the complement: F8 is on the minus strand). VCF-style: chrX-154966065-A-T. GRCh37 (hg19) VCF-style: chrX-154194340-A-T.
Other names: F8, TYR431ASN; Y431N; short protein forms Y450N.
Identifiers: ClinVar variation 10213 (VCV000010213.2), dbSNP rs111033616, ClinGen allele CA255103.

ClinVar aggregate classification (germline): Likely pathogenic. Review status: criteria provided, single submitter (1 of 4 stars). 2 submissions from 2 submitters: Likely pathogenic (1). 1 of the submissions does not count toward it. Last evaluated 2025-06-24.

Conditions:
Hereditary factor VIII deficiency disease (HEMA). Also called: HEMOPHILIA, CLASSIC; Hemophilia A; Hemophilia A, congenital; HEM A; Factor 8 deficiency, congenital; AUTOSOMAL HEMOPHILIA A. Identifiers: Orphanet 98878, MedGen C0019069, MONDO:0010602, OMIM 306700.

Submissions (2):

ARUP Laboratories, Molecular Genetics and Genomics, ARUP Laboratories
Classification: Likely pathogenic. Last evaluated: 2025-06-24. Review status: criteria provided, single submitter. Criteria: ARUP Molecular Germline Variant Investigation Process 2024. Collection method: clinical testing. Allele origin: germline.
Comment: The F8 c.1348T>A; p.Tyr450Asn variant (rs111033616, ClinVar Variation ID: 10213), also known as Tyr431Asn in traditional nomenclature, is reported in the literature in at least 2 individuals affected with mild to moderate hemophilia A (Liu 1998, Pieneman 1993). This variant is absent from the Genome Aggregation Database (v2.1.1), indicating it is not a common polymorphism. Additionally, other variants at this codon (c.1348T>G, p. Tyr450Asp; c.1349A>G, p. Tyr450Cys) have been reported in individuals with hemophilia A (see F8 database and references therein). Computational analyses predict that this variant is deleterious (REVEL: 0.964). Based on available information, this variant is considered to be likely pathogenic. References: Link to F8 database: Liu M et al. A domain mutations in 65 haemophilia A families and molecular modelling of dysfunctional factor VIII proteins. Br J Haematol. 1998 Dec;103(4):1051-60. PMID: 9886318. Pieneman WC et al. Double strand conformation polymorphism (DSCP) detects two point mutations at codon 280 (AAC-->ATC) and at codon 431 (TAC-->AAC) of the blood coagulation factor VIII gene. Thromb Haemost. 1993 May 3;69(5):473-5. PMID: 8322269.

OMIM
Classification: Pathogenic for HEMOPHILIA A. Last evaluated: 1993-05-03. Review status: no assertion criteria provided. Collection method: literature only. Allele origin: germline. Not counted in ClinVar's aggregate classification.

Literature cited by the submitters: PubMed 8322269 (cited by OMIM).